The following is an entry in ClinVar:

NM_032607.3(CREB3L3):c.804C>A (p.Ile268=)

Gene: CREB3L3 (cAMP responsive element binding protein 3 like 3; plus strand). Cytogenetic location: 19p13.3.
Variant type: single nucleotide variant.
Coding change: c.804C>A on transcript NM_032607.3 (MANE Select); coding-DNA position 804, C replaced by A.
Protein change: p.Ile268=; no amino-acid change (isoleucine 268 retained).
Molecular consequence: synonymous variant. On other transcripts: intron variant (1).
Genome position (GRCh38, 1-based): chr19:4,168,440, C>A. VCF-style: chr19-4168440-C-A. GRCh37 (hg19) VCF-style: chr19-4168437-C-A.
Other names: p.Ile268=; c.801C>A, p.Ile267= (NM_001271995.2); c.798C>A, p.Ile266= (NM_001271996.2); c.715-1700C>A (NM_001271997.2).
Identifiers: ClinVar variation 1284174 (VCV001284174.12), dbSNP rs74612303, ClinGen allele CA9091467.

ClinVar aggregate classification (germline): Benign. Review status: criteria provided, multiple submitters, no conflicts (2 of 4 stars). 5 submissions from 5 submitters: Benign (5). Last evaluated 2026-02-01.

Allele frequency attached by ClinVar (database versions not stated): ESP Exome Variant Server 0.01415; 1000 Genomes Project 30x 0.07620; 1000 Genomes Project 0.08227.
gnomAD v4.1: 37,232 of 1,608,540 alleles (2.3%); highest among the groups gnomAD compares: East Asian, 20%; 2,028 homozygotes.

Submissions (5):

Labcorp Genetics (formerly Invitae), Labcorp
Classification: Benign. Last evaluated: 2026-02-01. Review status: criteria provided, single submitter. Criteria: Invitae Variant Classification Sherloc (09022015). Collection method: clinical testing. Allele origin: germline.

Blueprint Genetics
Classification: Benign. Last evaluated: 2024-11-28. Review status: criteria provided, single submitter. Criteria: ACMG Guidelines, 2015. Collection method: clinical testing. Allele origin: germline.

Mayo Clinic Laboratories, Mayo Clinic
Classification: Benign. Last evaluated: 2024-09-19. Review status: criteria provided, single submitter. Criteria: ACMG Guidelines, 2015. Collection method: clinical testing. Allele origin: germline. Observed: 6 variant alleles.
Comment: BA1

GeneDx
Classification: Benign. Last evaluated: 2021-05-05. Review status: criteria provided, single submitter. Criteria: GeneDx Variant Classification Process June 2021. Collection method: clinical testing. Allele origin: germline. Affected: yes.

Breakthrough Genomics
Classification: Benign. Review status: criteria provided, single submitter. Criteria: ACMG Guidelines, 2015. Collection method: not provided. Allele origin: germline. Inheritance: Autosomal dominant inheritance. Affected: yes.